The following is an entry in ClinVar:

ClinVar aggregate classification (germline): Pathogenic (1 of 4 stars; one submission).

Conditions:
Holocarboxylase synthetase deficiency. Also called: MULTIPLE CARBOXYLASE DEFICIENCY, EARLY ONSET. Identifiers: Orphanet 79242, MedGen C0268581, MONDO:0009666, OMIM 253270.

Submission:

Labcorp Genetics (formerly Invitae), Labcorp
Classification: Pathogenic for Holocarboxylase synthetase deficiency. Last evaluated: 2023-05-19. Review status: criteria provided, single submitter. Criteria: Invitae Variant Classification Sherloc (09022015). Collection method: clinical testing. Allele origin: germline.
Comment: This sequence change creates a premature translational stop signal (p.Leu353Alafs*7) in the HLCS gene. It is expected to result in an absent or disrupted protein product. Loss-of-function variants in HLCS are known to be pathogenic (PMID: 16134170). This premature translational stop signal has been observed in individual(s) with clinical features of holocarboxylase synthetase deficiency (PMID: 16134170). For these reasons, this variant has been classified as Pathogenic. This variant is not present in population databases (gnomAD no frequency).

Literature cited by the submitters: PubMed 16134170.

NM_001352514.2(HLCS):c.1494dup (p.Leu500fs)

Gene: HLCS (holocarboxylase synthetase; minus strand). Cytogenetic location: 21q22.13.
Variant type: Duplication.
Coding change: c.1494dup on transcript NM_001352514.2 (MANE Select); coding-DNA position 1494, one base duplicated (C; older notation c.1494dupC).
Protein change: p.Leu500fs; shifts the reading frame from leucine 500.
Molecular consequence: frameshift variant. On other transcripts: non-coding transcript variant (2).
Genome position (GRCh38, 1-based): chr21:36,930,377, G duplicated on the plus strand (C on the coding strand, the reverse complement: HLCS is on the minus strand). VCF-style (leftmost placement, unchanged base first): chr21-36930376-A-AG. GRCh37 (hg19) VCF-style: chr21-38302676-A-AG.
Other names: c.1053dup, p.Leu353fs (NM_000411.8, NM_001242784.3, NM_001242785.2 and 4 more transcripts); short protein forms L353fs, L500fs.
Identifiers: ClinVar variation 3005908 (VCV003005908.3), dbSNP rs2517547588, ClinGen allele CA2577486863.